The following is an entry in ClinVar:

NM_001291303.3(FAT4):c.5889_5890delinsAA (p.Leu1964Ile)

Gene: FAT4 (FAT atypical cadherin 4; plus strand). Cytogenetic location: 4q28.1.
Variant type: Indel.
Coding change: c.5889_5890delinsAA on transcript NM_001291303.3 (MANE Select); coding-DNA positions 5889 to 5890, TC replaced by AA.
Protein change: p.Leu1964Ile; replaces leucine 1964 with isoleucine.
Molecular consequence: missense variant.
Genome position (GRCh38, 1-based): chr4:125,408,763-125,408,764, TC replaced by AA. VCF-style: chr4-125408763-TC-AA. GRCh37 (hg19) VCF-style: chr4-126329918-TC-AA.
Other names: c.5889_5890delinsAA, p.Leu1964Ile (NM_001291285.3, NM_024582.6); c.5889_5890delinsAA (NM_024582.5); short protein forms L1964I.
Identifiers: ClinVar variation 1062027 (VCV001062027.5), dbSNP rs2126021497, ClinGen allele CA2499217078.

ClinVar aggregate classification (germline): Uncertain significance. Review status: criteria provided, multiple submitters, no conflicts (2 of 4 stars). 2 submissions from 2 submitters: Uncertain significance (2). Last evaluated 2025-07-14.

Conditions:
Van Maldergem syndrome 2 (VMLDS2). Identifiers: Orphanet 314679, MedGen C3809875, MONDO:0014242, OMIM 615546.
Hennekam lymphangiectasia-lymphedema syndrome 2 (HKLLS2). Identifiers: Orphanet 2136, MedGen C4014939, MONDO:0014454, OMIM 616006.

Submissions (2):

Labcorp Genetics (formerly Invitae), Labcorp
Classification: Uncertain significance. Last evaluated: 2025-07-14. Review status: criteria provided, single submitter. Criteria: Invitae Variant Classification Sherloc (09022015). Collection method: clinical testing. Allele origin: germline.
Comment: This sequence change replaces leucine, which is neutral and non-polar, with isoleucine, which is neutral and non-polar, at codon 1964 of the FAT4 protein (p.Leu1964Ile). Information on the frequency of this variant in the gnomAD database is not available, as this variant may be reported differently in the database. This variant has not been reported in the literature in individuals affected with FAT4-related conditions. ClinVar contains an entry for this variant (Variation ID: 1062027). Experimental studies and prediction algorithms are not available or were not evaluated, and the functional significance of this variant is currently unknown. In summary, the available evidence is currently insufficient to determine the role of this variant in disease. Therefore, it has been classified as a Variant of Uncertain Significance.

Fulgent Genetics
Classification: Uncertain significance for Van Maldergem syndrome 2; Hennekam lymphangiectasia-lymphedema syndrome 2. Last evaluated: 2024-06-15. Review status: criteria provided, single submitter. Criteria: ACMG Guidelines, 2015. Collection method: clinical testing. Allele origin: germline.